The following is an entry in ClinVar:

ClinVar aggregate classification (germline): Uncertain significance (1 of 4 stars; one submission).

gnomAD v4.1: 1 of 1,614,068 alleles (0.000062%); highest among the groups gnomAD compares: Non-Finnish European, 0.000085%; no homozygotes.

Submission:

Ambry Genetics
Classification: Uncertain significance. Last evaluated: 2025-02-21. Review status: criteria provided, single submitter. Criteria: Ambry Variant Classification Scheme 2023. Collection method: clinical testing. Allele origin: germline.
Comment: The p.R1376P variant (also known as c.4127G>C), located in coding exon 37 of the KIF1B gene, results from a G to C substitution at nucleotide position 4127. The arginine at codon 1376 is replaced by proline, an amino acid with dissimilar properties. This amino acid position is conserved. In addition, this alteration is predicted to be deleterious by in silico analysis. Based on the available evidence, the clinical significance of this variant remains unclear.

NM_001365951.3(KIF1B):c.4265G>C (p.Arg1422Pro)

Gene: KIF1B (kinesin family member 1B; plus strand). Cytogenetic location: 1p36.22.
Variant type: single nucleotide variant.
Coding change: c.4265G>C on transcript NM_001365951.3 (MANE Select); coding-DNA position 4265, G replaced by C.
Protein change: p.Arg1422Pro; replaces arginine 1422 with proline.
Molecular consequence: missense variant.
Genome position (GRCh38, 1-based): chr1:10,361,786, G>C. VCF-style: chr1-10361786-G-C. GRCh37 (hg19) VCF-style: chr1-10421844-G-C.
Other names: c.4265G>C, p.Arg1422Pro (NM_001365952.1); c.4127G>C, p.Arg1376Pro (NM_015074.3); short protein forms R1376P, R1422P.
Identifiers: ClinVar variation 3864103 (VCV003864103.1).
Genomic context (GRCh38, chr1:10,361,786, plus strand): 5'-AGGATGTGTGCATGGTCTTCTACTCCCGAGATGCCAAGATCTCACCACCACGCTCTCTGC[G>C]TAGCCTCTTTGGCAGCGGCTACTCAAAGTCACCAGATTCGTAAGTTTTTCACACAAGTTA-3'
Protein context (NP_001352880.1, residues 1412-1432): DAKISPPRSL[Arg1422Pro]SLFGSGYSKS